The following is an entry in ClinVar:

NM_000702.4(ATP1A2):c.*1780G>A

Gene: ATP1A2 (ATPase Na+/K+ transporting subunit alpha 2; plus strand). Cytogenetic location: 1q23.2.
Variant type: single nucleotide variant.
Coding change: c.*1780G>A on transcript NM_000702.4 (MANE Select); 1780 bases downstream of the stop codon, G replaced by A.
Molecular consequence: 3 prime UTR variant.
Genome position (GRCh38, 1-based): chr1:160,143,102, G>A. VCF-style: chr1-160143102-G-A. GRCh37 (hg19) VCF-style: chr1-160112892-G-A.
Identifiers: ClinVar variation 293182 (VCV000293182.6), dbSNP rs74123255, ClinGen allele CA10608114.

ClinVar aggregate classification (germline): Benign. Review status: criteria provided, multiple submitters, no conflicts (2 of 4 stars). 3 submissions from 2 submitters: Benign (3). Last evaluated 2018-01-13.

Conditions:
Migraine, familial hemiplegic, 2. Identifiers: Orphanet 569, MedGen C1865322, MONDO:0011232, OMIM 602481.
Alternating hemiplegia of childhood 1 (AHC1). Identifiers: Orphanet 2131, MedGen C3549447, MONDO:0007087, OMIM 104290.

Allele frequency attached by ClinVar (database versions not stated): gnomAD 0.02185; TOPMed 0.02525; 1000 Genomes Project 0.02536; 1000 Genomes Project 30x 0.02623; gnomAD exomes 0.03030.
gnomAD v4.1: 3,341 of 152,364 alleles (2.2%); highest among the groups gnomAD compares: African/African-American, 7.5%; 131 homozygotes.

Submissions (3):

Illumina Laboratory Services, Illumina
Classification: Benign for Migraine, familial hemiplegic, 2. Last evaluated: 2018-01-13. Review status: criteria provided, single submitter. Criteria: ICSL Variant Classification Criteria 13 December 2019. Collection method: clinical testing. Allele origin: germline.
Comment: This variant was observed in the ICSL laboratory as part of a predisposition screen in an ostensibly healthy population. It had not been previously curated by ICSL or reported in the Human Gene Mutation Database (HGMD: prior to June 1st, 2018), and was therefore a candidate for classification through an automated scoring system. Utilizing variant allele frequency, disease prevalence and penetrance estimates, and inheritance mode, an automated score was calculated to assess if this variant is too frequent to cause the disease. Based on the score and internal cut-off values, a variant classified as benign is not then subjected to further curation. The score for this variant resulted in a classification of benign for this disease.

Illumina Laboratory Services, Illumina
Classification: Benign for Alternating hemiplegia of childhood 1. Last evaluated: 2018-01-13. Review status: criteria provided, single submitter. Criteria: ICSL Variant Classification Criteria 13 December 2019. Collection method: clinical testing. Allele origin: germline.
Comment: the same text as in the submission from Illumina Laboratory Services, Illumina above.

Breakthrough Genomics
Classification: Benign. Review status: criteria provided, single submitter. Criteria: ACMG Guidelines, 2015. Collection method: not provided. Allele origin: germline. Inheritance: Autosomal recessive inheritance. Affected: yes.